The following is an entry in ClinVar:

ClinVar aggregate classification (germline): Uncertain significance (1 of 4 stars; one submission).

Conditions:
Cardiovascular phenotype. Identifiers: MedGen CN230736.

Allele frequency attached by ClinVar (database versions not stated): gnomAD exomes below 0.00001.
gnomAD v4.1: 1 of 1,614,092 alleles (0.000062%); highest among the groups gnomAD compares: African/African-American, 0.0013%; no homozygotes.

Submission:

Ambry Genetics
Classification: Uncertain significance for Cardiovascular phenotype. Last evaluated: 2020-11-20. Review status: criteria provided, single submitter. Criteria: Ambry Variant Classification Scheme 2023. Collection method: clinical testing. Allele origin: germline.
Comment: The p.F1761I variant (also known as c.5281T>A), located in coding exon 27 of the SCN10A gene, results from a T to A substitution at nucleotide position 5281. The phenylalanine at codon 1761 is replaced by isoleucine, an amino acid with highly similar properties. This amino acid position is not well conserved in available vertebrate species. In addition, the in silico prediction for this alteration is inconclusive. Since supporting evidence is limited at this time, the clinical significance of this alteration remains unclear.

NM_006514.4(SCN10A):c.5281T>A (p.Phe1761Ile)

Gene: SCN10A (sodium voltage-gated channel alpha subunit 10; minus strand). Cytogenetic location: 3p22.2.
Variant type: single nucleotide variant.
Coding change: c.5281T>A on transcript NM_006514.4 (MANE Select); coding-DNA position 5281, T replaced by A.
Protein change: p.Phe1761Ile; replaces phenylalanine 1761 with isoleucine.
Molecular consequence: missense variant.
Genome position (GRCh38, 1-based): chr3:38,697,939, A>T on the plus strand (T>A on the coding strand, the complement: SCN10A is on the minus strand). VCF-style: chr3-38697939-A-T. GRCh37 (hg19) VCF-style: chr3-38739430-A-T.
Other names: c.5278T>A, p.Phe1760Ile (NM_001293306.2); c.4987T>A, p.Phe1663Ile (NM_001293307.2); short protein forms F1760I, F1761I, F1663I.
Identifiers: ClinVar variation 1746574 (VCV001746574.2), dbSNP rs2470551861, ClinGen allele CA352154103.
Genomic context (GRCh38, chr3:38,697,939, plus strand): 5'-TGGGTTTTGGGATTCTCAGGGGACCAGAGAGAGTGTCTGCAAAGTCCGAGAGAGCAGAAA[A>T]GGTAATAAACTGAGTGGCCTCTGGGTCAAACTTCTCCCAGGTCTCATAGAACATGTCAAA-3'
Protein context (NP_006505.4, residues 1751-1771): FDPEATQFIT[Phe1761Ile]SALSDFADTL